The following is an entry in ClinVar:

ClinVar aggregate classification (germline): Uncertain significance. Review status: criteria provided, multiple submitters, no conflicts (2 of 4 stars). 3 submissions from 3 submitters: Uncertain significance (3). Last evaluated 2025-10-14.

Conditions:
Intellectual developmental disorder, X-linked 1. Also called: Atkin Flaitz Patil Smith syndrome; Intellectual disability, X-linked 1; MENTAL RETARDATION, X-LINKED 18; MENTAL RETARDATION, X-LINKED 78. Identifiers: Orphanet 777, MedGen C2931498, MONDO:0010656, OMIM 309530.
Inborn genetic diseases. Identifiers: MedGen C0950123, MeSH D030342.

Submissions (3):

Laboratorio de Genetica e Diagnostico Molecular, Hospital Israelita Albert Einstein
Classification: Uncertain significance for Intellectual developmental disorder, X-linked 1. Last evaluated: 2025-10-14. Review status: criteria provided, single submitter. Criteria: ACMG Guidelines, 2015. Collection method: clinical testing. Allele origin: germline. Affected: yes.
Comment: ACMG classification criteria: PM2 supporting, PP2 supporting, PP3 supporting

Ambry Genetics
Classification: Uncertain significance for Inborn genetic diseases. Last evaluated: 2021-06-29. Review status: criteria provided, single submitter. Criteria: Ambry Variant Classification Scheme 2023. Collection method: clinical testing. Allele origin: germline.

Labcorp Genetics (formerly Invitae), Labcorp
Classification: Uncertain significance for Intellectual developmental disorder, X-linked 1. Last evaluated: 2020-03-17. Review status: criteria provided, single submitter. Criteria: Invitae Variant Classification Sherloc (09022015). Collection method: clinical testing. Allele origin: germline.
Comment: In summary, the available evidence is currently insufficient to determine the role of this variant in disease. Therefore, it has been classified as a Variant of Uncertain Significance. Algorithms developed to predict the effect of missense changes on protein structure and function are either unavailable or do not agree on the potential impact of this missense change (SIFT: "Tolerated"; PolyPhen-2: "Possibly Damaging"; Align-GVGD: "Class C0"). This variant has not been reported in the literature in individuals with IQSEC2-related conditions. This variant is not present in population databases (ExAC no frequency). This sequence change replaces alanine with valine at codon 1063 of the IQSEC2 protein (p.Ala1063Val). The alanine residue is highly conserved and there is a small physicochemical difference between alanine and valine.

NM_001111125.3(IQSEC2):c.3188C>T (p.Ala1063Val)

Gene: IQSEC2 (IQ motif and Sec7 domain ArfGEF 2; minus strand). Cytogenetic location: Xp11.22.
Variant type: single nucleotide variant.
Coding change: c.3188C>T on transcript NM_001111125.3 (MANE Select); coding-DNA position 3188, C replaced by T.
Protein change: p.Ala1063Val; replaces alanine 1063 with valine.
Molecular consequence: missense variant.
Genome position (GRCh38, 1-based): chrX:53,238,234, G>A on the plus strand (C>T on the coding strand, the complement: IQSEC2 is on the minus strand). VCF-style: chrX-53238234-G-A. GRCh37 (hg19) VCF-style: chrX-53267416-G-A.
Other names: c.3188C>T (NM_001111125.2); c.2573C>T, p.Ala858Val (NM_015075.2); short protein forms A1063V, A858V.
Identifiers: ClinVar variation 1014908 (VCV001014908.11), dbSNP rs2074165930, ClinGen allele CA413146737.
Genomic context (GRCh38, chrX:53,238,234, plus strand): 5'-ACCTCCGCAATGGACTCGCGCAGGTCGGATGTAAAGCGCAGCCGGTCCTGGAGGCTGGGG[G>A]CATTGAAGATGATGAGGACTTTTCGCTCCCCACCAGGTACTGCAGACAGCAACTTGATCC-3'
Protein context (NP_001104595.1, residues 1053-1073): GERKVLIIFN[Ala1063Val]PSLQDRLRFT